The following is an entry in ClinVar:

NM_001267550.2(TTN):c.72891T>C (p.Ile24297=)

Genes: TTN (titin; minus strand), TTN-AS1 (TTN antisense RNA 1; plus strand). Cytogenetic location: 2q31.2.
Variant type: single nucleotide variant.
Coding change: c.72891T>C on transcript NM_001267550.2 (MANE Select); coding-DNA position 72891, T replaced by C.
Protein change: p.Ile24297=; no amino-acid change (isoleucine 24297 retained).
Molecular consequence: synonymous variant.
Genome position (GRCh38, 1-based): chr2:178,573,241, A>G on the plus strand (T>C on the coding strand, the complement: TTN is on the minus strand). VCF-style: chr2-178573241-A-G. GRCh37 (hg19) VCF-style: chr2-179437968-A-G.
Other names: c.67968T>C, p.Ile22656= (NM_001256850.1); c.45696T>C, p.Ile15232= (NM_003319.4); c.65187T>C, p.Ile21729= (NM_133378.4); c.46071T>C, p.Ile15357= (NM_133432.3); c.46272T>C, p.Ile15424= (NM_133437.4).
Identifiers: ClinVar variation 3389790 (VCV003389790.14).
Genomic context (GRCh38, chr2:178,573,241, plus strand): 5'-AGCCTTGTAAAATGGACTGGTAGGACTTGGTGCACTAATTCCAGCAGCATTTTCAGCCAT[A>G]ATCCTGAACTCATATTCATGTCCTTCTGTCAGTCCAGACACTTTATATCTTAAATCAGTA-3'
Protein context (NP_001254479.2, residues 24287-24307): LTEGHEYEFR[Ile24297=]MAENAAGISA

ClinVar aggregate classification (germline): Likely benign (1 of 4 stars; one submission).

gnomAD v4.1: 1 of 1,606,510 alleles (0.000062%); highest among the groups gnomAD compares: Middle Eastern, 0.017%; no homozygotes.

Submission:

CeGaT Center for Human Genetics Tuebingen
Classification: Likely benign. Last evaluated: 2024-09-01. Review status: criteria provided, single submitter. Criteria: CeGaT Center For Human Genetics Tuebingen Variant Classification Criteria Version 2. Collection method: clinical testing. Allele origin: germline. Affected: yes. Observed: 1 variant allele.
Comment: TTN: BP4, BP7